The following is an entry in ClinVar:

Conditions:
Breast-ovarian cancer, familial, susceptibility to, 1 (BROVCA1). Also called: BRCA1 Hereditary Breast and Ovarian Cancer; OVARIAN CANCER, SUSCEPTIBILITY TO. Identifiers: Orphanet 145, MedGen C2676676, MONDO:0011450, OMIM 604370. Disease mechanism: loss of function.

Submission:

Brotman Baty Institute, University of Washington
No classification provided (evidence only). Condition: Breast-ovarian cancer, familial 1. Review status: no classification provided. Collection method: in vitro. Allele origin: not applicable. Functional consequence: functionally_normal.
ClinVar note: "not provided" was previously submitted as the classification for the variant. However, the classification appeared to be based only on an observation of functional data so it was converted to no classification on 2025-07-30.

NM_007294.4(BRCA1):c.4989G>C (p.Met1663Ile)

Gene: BRCA1 (BRCA1 DNA repair associated; minus strand). Cytogenetic location: 17q21.31.
Variant type: single nucleotide variant.
Coding change: c.4989G>C on transcript NM_007294.4 (MANE Select); coding-DNA position 4989, G replaced by C.
Protein change: p.Met1663Ile; replaces methionine 1663 with isoleucine.
Molecular consequence: missense variant. On other transcripts: non-coding transcript variant (1).
Genome position (GRCh38, 1-based): chr17:43,067,693, C>G on the plus strand (G>C on the coding strand, the complement: BRCA1 is on the minus strand). VCF-style: chr17-43067693-C-G. GRCh37 (hg19) VCF-style: chr17-41219710-C-G.
Other names: c.1413G>C, p.Met471Ile (NM_001408504.1, NM_001408502.1, NM_001408503.1); c.1410G>C, p.Met470Ile (NM_001408505.1); c.1353G>C, p.Met451Ile (NM_001408506.1); c.1350G>C, p.Met450Ile (NM_001408507.1); c.1341G>C, p.Met447Ile (NM_001408508.1); c.1338G>C, p.Met446Ile (NM_001408509.1); c.1299G>C, p.Met433Ile (NM_001408510.1); c.1296G>C, p.Met432Ile (NM_001408511.1); and 70 more; short protein forms M1663I, M559I, M1616I, M1684I, M1366I, M1509I, M1535I, M1573I.
Identifiers: ClinVar variation 868098 (VCV000868098.3), dbSNP rs748807039, ClinGen allele CA10591539.